The following is an entry in ClinVar:

NM_152383.5(DIS3L2):c.1237G>A (p.Val413Met)

Gene: DIS3L2 (DIS3 like 3'-5' exoribonuclease 2; plus strand). Cytogenetic location: 2q37.1.
Variant type: single nucleotide variant.
Coding change: c.1237G>A on transcript NM_152383.5 (MANE Select); coding-DNA position 1237, G replaced by A.
Protein change: p.Val413Met; replaces valine 413 with methionine.
Molecular consequence: missense variant. On other transcripts: non-coding transcript variant (2).
Genome position (GRCh38, 1-based): chr2:232,238,565, G>A. VCF-style: chr2-232238565-G-A. GRCh37 (hg19) VCF-style: chr2-233103275-G-A.
Other names: c.1237G>A, p.Val413Met (NM_001257281.2); short protein forms V413M.
Identifiers: ClinVar variation 463052 (VCV000463052.6), dbSNP rs1553539253, ClinGen allele CA351154621.

ClinVar aggregate classification (germline): Uncertain significance (1 of 4 stars; one submission).

Conditions:
Perlman syndrome (PRLMNS). Identifiers: Orphanet 2849, MedGen C0796113, MONDO:0009965, OMIM 267000.

Allele frequency attached by ClinVar (database versions not stated): gnomAD below 0.00001 and 0.00001; gnomAD exomes below 0.00001.
gnomAD v4.1: 7 of 1,614,058 alleles (0.00043%); highest among the groups gnomAD compares: South Asian, 0.0033%; no homozygotes.

Submission:

Labcorp Genetics (formerly Invitae), Labcorp
Classification: Uncertain significance for Perlman syndrome. Last evaluated: 2023-05-09. Review status: criteria provided, single submitter. Criteria: Invitae Variant Classification Sherloc (09022015). Collection method: clinical testing. Allele origin: germline.
Comment: In summary, the available evidence is currently insufficient to determine the role of this variant in disease. Therefore, it has been classified as a Variant of Uncertain Significance. Advanced modeling of protein sequence and biophysical properties (such as structural, functional, and spatial information, amino acid conservation, physicochemical variation, residue mobility, and thermodynamic stability) performed at Invitae indicates that this missense variant is expected to disrupt DIS3L2 protein function. ClinVar contains an entry for this variant (Variation ID: 463052). This variant has not been reported in the literature in individuals affected with DIS3L2-related conditions. This variant is not present in population databases (gnomAD no frequency). This sequence change replaces valine, which is neutral and non-polar, with methionine, which is neutral and non-polar, at codon 413 of the DIS3L2 protein (p.Val413Met).